The following is an entry in ClinVar:

NM_005228.5(EGFR):c.1507G>A (p.Gly503Ser)

Gene: EGFR (epidermal growth factor receptor; plus strand). Cytogenetic location: 7p11.2.
Variant type: single nucleotide variant.
Coding change: c.1507G>A on transcript NM_005228.5 (MANE Select); coding-DNA position 1507, G replaced by A.
Protein change: p.Gly503Ser; replaces glycine 503 with serine.
Molecular consequence: missense variant.
Genome position (GRCh38, 1-based): chr7:55,161,507, G>A. VCF-style: chr7-55161507-G-A. GRCh37 (hg19) VCF-style: chr7-55229200-G-A.
Other names: c.1372G>A, p.Gly458Ser (NM_001346897.2, NM_001346899.2); c.1507G>A, p.Gly503Ser (NM_001346898.2, NM_201282.2, NM_201284.2); c.1348G>A, p.Gly450Ser (NM_001346900.2); c.706G>A, p.Gly236Ser (NM_001346941.2); short protein forms G450S, G458S, G236S, G503S.
Identifiers: ClinVar variation 953833 (VCV000953833.10), dbSNP rs760711480, ClinGen allele CA4265605.
Genomic context (GRCh38, chr7:55,161,507, plus strand): 5'-CCTCGGGTCCCTGCTCTGTCACTGACTGCTGTGACCCACTCTGTCTCCGCAGAGGCCACA[G>A]GCCAGGTCTGCCATGCCTTGTGCTCCCCCGAGGGCTGCTGGGGCCCGGAGCCCAGGGACT-3'
Protein context (NP_005219.2, residues 493-513): NRGENSCKAT[Gly503Ser]QVCHALCSPE

ClinVar aggregate classification (germline): Uncertain significance. Review status: criteria provided, multiple submitters, no conflicts (2 of 4 stars). 2 submissions from 2 submitters: Uncertain significance (2). Last evaluated 2025-07-30.

Conditions:
EGFR-related lung cancer (EGFR). Identifiers: MedGen CN130014.
Hereditary cancer-predisposing syndrome. Also called: Hereditary neoplastic syndrome; Tumor predisposition; Neoplastic Syndromes, Hereditary; Hereditary Cancer Syndrome. Identifiers: Orphanet 140162, MedGen C0027672, MeSH D009386, MONDO:0015356.

Allele frequency attached by ClinVar (database versions not stated): ExAC 0.00001; gnomAD exomes 0.00001 and 0.00002; TOPMed 0.00003.
gnomAD v4.1: 7 of 1,614,048 alleles (0.00043%); highest among the groups gnomAD compares: Admixed American, 0.0067%; no homozygotes.

Submissions (2):

Labcorp Genetics (formerly Invitae), Labcorp
Classification: Uncertain significance for EGFR-related lung cancer. Last evaluated: 2025-07-30. Review status: criteria provided, single submitter. Criteria: Invitae Variant Classification Sherloc (09022015). Collection method: clinical testing. Allele origin: germline.
Comment: This sequence change replaces glycine, which is neutral and non-polar, with serine, which is neutral and polar, at codon 503 of the EGFR protein (p.Gly503Ser). This variant is present in population databases (rs760711480, gnomAD 0.009%). This variant has not been reported in the literature in individuals affected with EGFR-related conditions. ClinVar contains an entry for this variant (Variation ID: 953833). Invitae Evidence Modeling of protein sequence and biophysical properties (such as structural, functional, and spatial information, amino acid conservation, physicochemical variation, residue mobility, and thermodynamic stability) indicates that this missense variant is not expected to disrupt EGFR protein function with a negative predictive value of 80%. In summary, the available evidence is currently insufficient to determine the role of this variant in disease. Therefore, it has been classified as a Variant of Uncertain Significance.

Ambry Genetics
Classification: Uncertain significance for Hereditary cancer-predisposing syndrome. Last evaluated: 2025-03-29. Review status: criteria provided, single submitter. Criteria: Ambry Variant Classification Scheme 2023. Collection method: clinical testing. Allele origin: germline.
Comment: The p.G503S variant (also known as c.1507G>A), located in coding exon 13 of the EGFR gene, results from a G to A substitution at nucleotide position 1507. The glycine at codon 503 is replaced by serine, an amino acid with similar properties. This amino acid position is conserved. In addition, this alteration is predicted to be tolerated by in silico analysis. Based on the available evidence, the clinical significance of this variant remains unclear.